The following is an entry in ClinVar:

ClinVar aggregate classification (germline): Uncertain significance (1 of 4 stars; one submission).

Submission:

Labcorp Genetics (formerly Invitae), Labcorp
Classification: Uncertain significance. Last evaluated: 2025-04-01. Review status: criteria provided, single submitter. Criteria: Invitae Variant Classification Sherloc (09022015). Collection method: clinical testing. Allele origin: germline.
Comment: This sequence change replaces glycine, which is neutral and non-polar, with glutamic acid, which is acidic and polar, at codon 349 of the GUF1 protein (p.Gly349Glu). The frequency data for this variant in the population databases is considered unreliable, as metrics indicate poor data quality at this position in the gnomAD database. This variant has not been reported in the literature in individuals affected with GUF1-related conditions. Invitae Evidence Modeling of protein sequence and biophysical properties (such as structural, functional, and spatial information, amino acid conservation, physicochemical variation, residue mobility, and thermodynamic stability) indicates that this missense variant is not expected to disrupt GUF1 protein function with a negative predictive value of 80%. In summary, the available evidence is currently insufficient to determine the role of this variant in disease. Therefore, it has been classified as a Variant of Uncertain Significance.

NM_021927.3(GUF1):c.1046G>A (p.Gly349Glu)

Gene: GUF1 (GTP binding elongation factor GUF1; plus strand). Cytogenetic location: 4p12.
Variant type: single nucleotide variant.
Coding change: c.1046G>A on transcript NM_021927.3 (MANE Select); coding-DNA position 1046, G replaced by A.
Protein change: p.Gly349Glu; replaces glycine 349 with glutamic acid.
Molecular consequence: missense variant.
Genome position (GRCh38, 1-based): chr4:44,688,114, G>A. VCF-style: chr4-44688114-G-A. GRCh37 (hg19) VCF-style: chr4-44690131-G-A.
Other names: c.74G>A, p.Gly25Glu (NM_001345867.2, NM_001345869.2); c.1046G>A, p.Gly349Glu (NM_001345868.2); short protein forms G25E, G349E.
Identifiers: ClinVar variation 4741044 (VCV004741044.1).